The following is an entry in ClinVar:

NM_005816.5(CD96):c.544-1528T>G

Gene: CD96 (CD96 molecule; plus strand). Cytogenetic location: 3q13.13.
Variant type: single nucleotide variant.
Coding change: c.544-1528T>G on transcript NM_005816.5 (MANE Select); 1528 bases into the intron before coding-DNA position 544, T replaced by G.
Molecular consequence: intron variant.
Genome position (GRCh38, 1-based): chr3:111,577,499, T>G. VCF-style: chr3-111577499-T-G. GRCh37 (hg19) VCF-style: chr3-111296346-T-G.
Other names: c.544-3T>G (NM_198196.3); c.544-1528T>G (NM_001410800.1, NM_001318889.2).
Identifiers: ClinVar variation 4687754 (VCV004687754.1).

ClinVar aggregate classification (germline): Uncertain significance (1 of 4 stars; one submission).

gnomAD v4.1: 1 of 1,599,974 alleles (0.000063%); highest among the groups gnomAD compares: Admixed American, 0.0017%; no homozygotes.

Submission:

Women's Health and Genetics/Laboratory Corporation of America, LabCorp
Classification: Uncertain significance. Last evaluated: 2025-10-31. Review status: criteria provided, single submitter. Criteria: LabCorp Variant Classification Summary - May 2015. Collection method: clinical testing. Allele origin: germline.
Comment: Variant summary: CD96 c.544-3T>G alters a non-conserved nucleotide located close to a canonical splice site and therefore could affect mRNA splicing, leading to a significantly altered protein sequence. Several computational tools predict a significant impact on normal splicing: one predicts the variant abolishes a 3' acceptor site, and two predict the variant weakens a 3' acceptor site. However, these predictions have yet to be confirmed by functional studies. The variant allele was found at a frequency of 4e-06 in 251322 control chromosomes (gnomAD). The available data on variant occurrences in the general population are insufficient to allow any conclusion about variant significance. To our knowledge, no occurrence of c.544-3T>G in individuals affected with CD96-related conditions and no experimental evidence demonstrating its impact on protein function have been reported. No submitters have cited clinical-significance assessments for this variant to ClinVar. Based on the evidence outlined above, the variant was classified as uncertain significance.